The following is an entry in ClinVar:

ClinVar aggregate classification (germline): Uncertain significance (1 of 4 stars; one submission).

Conditions:
Hereditary cancer-predisposing syndrome. Also called: Hereditary neoplastic syndrome; Tumor predisposition; Hereditary Cancer Syndrome; Neoplastic Syndromes, Hereditary. Identifiers: Orphanet 140162, MedGen C0027672, MeSH D009386, MONDO:0015356.

Allele frequency attached by ClinVar (database versions not stated): gnomAD exomes below 0.00001.

Submission:

Ambry Genetics
Classification: Uncertain significance for Hereditary cancer-predisposing syndrome. Last evaluated: 2023-09-05. Review status: criteria provided, single submitter. Criteria: Ambry Variant Classification Scheme 2023. Collection method: clinical testing. Allele origin: germline.
Comment: The p.Q163P variant (also known as c.488A>C), located in coding exon 2 of the CDKN1B gene, results from an A to C substitution at nucleotide position 488. The glutamine at codon 163 is replaced by proline, an amino acid with similar properties. This amino acid position is conserved. In addition, this alteration is predicted to be tolerated by in silico analysis. Since supporting evidence is limited at this time, the clinical significance of this alteration remains unclear.

NM_004064.5(CDKN1B):c.488A>C (p.Gln163Pro)

Gene: CDKN1B (cyclin dependent kinase inhibitor 1B; plus strand). Cytogenetic location: 12p13.1.
Variant type: single nucleotide variant.
Coding change: c.488A>C on transcript NM_004064.5 (MANE Select); coding-DNA position 488, A replaced by C.
Protein change: p.Gln163Pro; replaces glutamine 163 with proline.
Molecular consequence: missense variant.
Genome position (GRCh38, 1-based): chr12:12,718,837, A>C. VCF-style: chr12-12718837-A-C. GRCh37 (hg19) VCF-style: chr12-12871771-A-C.
Other names: short protein forms Q163P.
Identifiers: ClinVar variation 2585899 (VCV002585899.2), dbSNP rs2497407432, ClinGen allele CA383972587.
Genomic context (GRCh38, chr12:12,718,837, plus strand): 5'-TTCTAATAAAGATTGTGTGTTCTTTTTAAAAATTTCCCCTGCGCTTAGATTCTTCTACTC[A>C]AAACAAAAGAGCCAACAGAACAGAAGAAAATGTTTCAGACGGTTCCCCAAATGCCGGTTC-3'
Protein context (NP_004055.1, residues 153-173): KRPATDDSST[Gln163Pro]NKRANRTEEN